The following is an entry in ClinVar:

ClinVar aggregate classification (germline): Benign/Likely benign. Review status: criteria provided, multiple submitters, no conflicts (2 of 4 stars). 3 submissions from 3 submitters: Benign (1); Likely benign (2). Last evaluated 2023-04-18.

Conditions:
Myofibrillar myopathy 5. Also called: Filaminopathy (type); FILAMINOPATHY, AUTOSOMAL DOMINANT. Identifiers: Orphanet 171445, MedGen C1836050, MONDO:0012289, OMIM 609524.
Hypertrophic cardiomyopathy 26. Also called: Cardiomyopathy, familial hypertrophic, 26. Identifiers: Orphanet 75249, MedGen C4310749, MONDO:0014883, OMIM 617047.
Distal myopathy with posterior leg and anterior hand involvement. Also called: WILLIAMS DISTAL MYOPATHY. Identifiers: Orphanet 63273, MedGen C3279722, MONDO:0013550, OMIM 614065.

Submissions (3):

Women's Health and Genetics/Laboratory Corporation of America, LabCorp
Classification: Benign. Last evaluated: 2023-04-18. Review status: criteria provided, single submitter. Criteria: LabCorp Variant Classification Summary - May 2015. Collection method: clinical testing. Allele origin: germline.
Comment: Variant summary: FLNC c.8118_8121delinsTATC results in a synonymous change. Two variant alleles causing the first and last nucleotide change of this variant (c.8118C>T and c.8121T>C) were each found at a frequency of ~0.015 in 151890 control chromosomes in the gnomAD 3.1 database, including 46 homozygotes, and sequence reads show that the two variants occur in the same chromosomes. This implies an allele frequency approximately 1900-fold higher than the maximum estimated frequency of a disease variant, suggesting this is likely a benign polymorphism. To our knowledge, no occurrence of c.8118_8121delinsTATC in individuals affected with Dilated Cardiomyopathy and no experimental evidence demonstrating its impact on protein function have been reported. Two submitters have provided clinical-significance assessments for this variant to ClinVar after 2014 without evidence for independent evaluation, and classified the variant as likely benign. Based on the evidence outlined above, the variant was classified as benign.

Fulgent Genetics
Classification: Likely benign for Myofibrillar myopathy 5; Distal myopathy with posterior leg and anterior hand involvement; Hypertrophic cardiomyopathy 26. Last evaluated: 2021-09-10. Review status: criteria provided, single submitter. Criteria: ACMG Guidelines, 2015. Collection method: clinical testing. Allele origin: unknown.

Labcorp Genetics (formerly Invitae), Labcorp
Classification: Likely benign for Distal myopathy with posterior leg and anterior hand involvement; Myofibrillar myopathy 5; Hypertrophic cardiomyopathy 26. Last evaluated: 2021-07-14. Review status: criteria provided, single submitter. Criteria: Invitae Variant Classification Sherloc (09022015). Collection method: clinical testing. Allele origin: germline.

NM_001458.5(FLNC):c.8118_8121delinsTATC (p.Leu2706_Ile2707=)

Genes: FLNC-AS1 (FLNC antisense RNA 1; minus strand), FLNC (filamin C; plus strand). Cytogenetic location: 7q32.1.
Variant type: Indel.
Coding change: c.8118_8121delinsTATC on transcript NM_001458.5 (MANE Select); coding-DNA positions 8118 to 8121, CATT replaced by TATC.
Protein change: p.Leu2706_Ile2707=.
Molecular consequence: synonymous variant.
Genome position (GRCh38, 1-based): chr7:128,858,463-128,858,466, CATT replaced by TATC. VCF-style: chr7-128858463-CATT-TATC. GRCh37 (hg19) VCF-style: chr7-128498517-CATT-TATC.
Other names: c.8019_8022delinsTATC, p.Leu2673_Ile2674= (NM_001127487.2); c.8118_8121delinsTATC (NM_001458.4).
Identifiers: ClinVar variation 1674710 (VCV001674710.10), dbSNP rs2128940705, ClinGen allele CA2573141645.
Genomic context (GRCh38, chr7:128,858,463, plus strand): 5'-CATGGGGAACCGGGTGTACAATGTCACCTACACTGTCAAGGAGAAAGGGGACTACATCCT[CATT>TATC]GTCAAGTGGGGTGACGAAAGTGTCCCTGGAAGCCCCTTCAAAGTCAAGGTCCCTTGAATC-3'